The following is an entry in ClinVar:

ClinVar aggregate classification (germline): Uncertain significance (1 of 4 stars; one submission).

Conditions:
RASopathy. Also called: rasopathies; Noonan spectrum disorder. Identifiers: Orphanet 536391, MedGen C5555857, MONDO:0021060.

Allele frequency attached by ClinVar (database versions not stated): gnomAD exomes below 0.00001; TOPMed below 0.00001.
gnomAD v4.1: 2 of 1,614,230 alleles (0.00012%); highest among the groups gnomAD compares: East Asian, 0.0022%; no homozygotes.

Submission:

Labcorp Genetics (formerly Invitae), Labcorp
Classification: Uncertain significance for RASopathy. Last evaluated: 2023-05-25. Review status: criteria provided, single submitter. Criteria: Invitae Variant Classification Sherloc (09022015). Collection method: clinical testing. Allele origin: germline.
Comment: In summary, the available evidence is currently insufficient to determine the role of this variant in disease. Therefore, it has been classified as a Variant of Uncertain Significance. Advanced modeling of protein sequence and biophysical properties (such as structural, functional, and spatial information, amino acid conservation, physicochemical variation, residue mobility, and thermodynamic stability) performed at Invitae indicates that this missense variant is not expected to disrupt CBL protein function. This variant has not been reported in the literature in individuals affected with CBL-related conditions. This variant is present in population databases (no rsID available, gnomAD 0.006%). This sequence change replaces asparagine, which is neutral and polar, with serine, which is neutral and polar, at codon 761 of the CBL protein (p.Asn761Ser).

NM_005188.4(CBL):c.2282A>G (p.Asn761Ser)

Gene: CBL (Cbl proto-oncogene; plus strand). Cytogenetic location: 11q23.3.
Variant type: single nucleotide variant.
Coding change: c.2282A>G on transcript NM_005188.4 (MANE Select); coding-DNA position 2282, A replaced by G.
Protein change: p.Asn761Ser; replaces asparagine 761 with serine.
Molecular consequence: missense variant.
Genome position (GRCh38, 1-based): chr11:119,298,388, A>G. VCF-style: chr11-119298388-A-G. GRCh37 (hg19) VCF-style: chr11-119169098-A-G.
Other names: short protein forms N761S.
Identifiers: ClinVar variation 3013995 (VCV003013995.3), dbSNP rs1187865266, ClinGen allele CA382929105.